The following is an entry in ClinVar:

ClinVar aggregate classification (germline): Uncertain significance (1 of 4 stars; one submission).

Conditions:
POLD1-related polyposis and colorectal cancer syndrome (CRCS10). Also called: Colorectal cancer 10; COLORECTAL CANCER, SUSCEPTIBILITY TO, ON CHROMOSOME 19q; Colorectal cancer, susceptibility to, 10. Identifiers: Orphanet 220460, MedGen C2675481, MONDO:0012953, OMIM 612591.

Allele frequency attached by ClinVar (database versions not stated): gnomAD exomes below 0.00001.
gnomAD v4.1: 1 of 1,613,522 alleles (0.000062%); highest among the groups gnomAD compares: Non-Finnish European, 0.000085%; no homozygotes.

Submission:

Labcorp Genetics (formerly Invitae), Labcorp
Classification: Uncertain significance for POLD1-related polyposis and colorectal cancer syndrome. Last evaluated: 2019-09-30. Review status: criteria provided, single submitter. Criteria: Invitae Variant Classification Sherloc (09022015). Collection method: clinical testing. Allele origin: germline.
Comment: Algorithms developed to predict the effect of missense changes on protein structure and function (SIFT, PolyPhen-2, Align-GVGD) all suggest that this variant is likely to be tolerated, but these predictions have not been confirmed by published functional studies and their clinical significance is uncertain. In summary, the available evidence is currently insufficient to determine the role of this variant in disease. Therefore, it has been classified as a Variant of Uncertain Significance. This variant has not been reported in the literature in individuals with POLD1-related conditions. This variant is not present in population databases (ExAC no frequency). This sequence change replaces leucine with valine at codon 188 of the POLD1 protein (p.Leu188Val). The leucine residue is moderately conserved and there is a small physicochemical difference between leucine and valine.

NM_002691.4(POLD1):c.562C>G (p.Leu188Val)

Gene: POLD1 (DNA polymerase delta 1, catalytic subunit; plus strand). Cytogenetic location: 19q13.33.
Variant type: single nucleotide variant.
Coding change: c.562C>G on transcript NM_002691.4 (MANE Select); coding-DNA position 562, C replaced by G.
Protein change: p.Leu188Val; replaces leucine 188 with valine.
Molecular consequence: missense variant. On other transcripts: non-coding transcript variant (1).
Genome position (GRCh38, 1-based): chr19:50,402,097, C>G. VCF-style: chr19-50402097-C-G. GRCh37 (hg19) VCF-style: chr19-50905354-C-G.
Other names: c.562C>G, p.Leu188Val (NM_001256849.1, NM_001308632.1); short protein forms L188V.
Identifiers: ClinVar variation 960230 (VCV000960230.9), dbSNP rs1601199826, ClinGen allele CA406973373.